The following is an entry in ClinVar:

NM_003895.4(SYNJ1):c.-5G>T

Gene: SYNJ1 (synaptojanin 1; minus strand). Cytogenetic location: 21q22.11.
Variant type: single nucleotide variant.
Coding change: c.-5G>T on transcript NM_003895.4; 5 bases upstream of the start codon, G replaced by T.
Molecular consequence: 5 prime UTR variant.
Genome position (GRCh38, 1-based): chr21:32,728,045, C>A on the plus strand (G>T on the coding strand, the complement: SYNJ1 is on the minus strand). VCF-style: chr21-32728045-C-A. GRCh37 (hg19) VCF-style: chr21-34100356-C-A.
Identifiers: ClinVar variation 2429200 (VCV002429200.40), dbSNP rs142919628, ClinGen allele CA319437737.

ClinVar aggregate classification (germline): Uncertain significance (1 of 4 stars; one submission).

Allele frequency attached by ClinVar (database versions not stated): gnomAD 0.00019; gnomAD exomes 0.00002; 1000 Genomes Project 0.00040; 1000 Genomes Project 30x 0.00047.
gnomAD v4.1: 57 of 1,529,884 alleles (0.0037%); highest among the groups gnomAD compares: African/African-American, 0.072%; no homozygotes.

Submission:

Women's Health and Genetics/Laboratory Corporation of America, LabCorp
Classification: Uncertain significance. Last evaluated: 2023-01-12. Review status: criteria provided, single submitter. Criteria: LabCorp Variant Classification Summary - May 2015. Collection method: clinical testing. Allele origin: germline.
Comment: Variant summary: SYNJ1 c.-5G>T is located in the untranslated mRNA region upstream of the initiation codon. The variant allele was found at a frequency of 7.1e-05 in 155588 control chromosomes. To our knowledge, no occurrence of c.-5G>T in individuals affected with SYNJ1-Related Disorders and no experimental evidence demonstrating its impact on protein function have been reported. No clinical diagnostic laboratories have submitted clinical-significance assessments for this variant to ClinVar after 2014. Based on the evidence outlined above, the variant was classified as uncertain significance.